The following is an entry in ClinVar:

NM_080680.3(COL11A2):c.2426C>T (p.Pro809Leu)

Gene: COL11A2 (collagen type XI alpha 2 chain; minus strand). Cytogenetic location: 6p21.32.
Variant type: single nucleotide variant.
Coding change: c.2426C>T on transcript NM_080680.3 (MANE Select); coding-DNA position 2426, C replaced by T.
Protein change: p.Pro809Leu; replaces proline 809 with leucine.
Molecular consequence: missense variant.
Genome position (GRCh38, 1-based): chr6:33,174,531, G>A on the plus strand (C>T on the coding strand, the complement: COL11A2 is on the minus strand). VCF-style: chr6-33174531-G-A. GRCh37 (hg19) VCF-style: chr6-33142308-G-A.
Other names: c.2105C>T, p.Pro702Leu (NM_080679.3); c.2168C>T, p.Pro723Leu (NM_080681.3); c.2426C>T (NM_080680.2); short protein forms P702L, P723L, P809L.
Identifiers: ClinVar variation 2197241 (VCV002197241.3), dbSNP rs140058794, ClinGen allele CA137068999.
Genomic context (GRCh38, chr6:33,174,531, plus strand): 5'-GGAAGCGAAGAGGAGGAGGGAAGAGGAGGAGGGGCACGTATGGGGCATGGCATCACCTTG[G>A]GTCCCTGACGTCCAGGATAGCCAGGCAGACCAGGAACACCCAGCTTGCCCTGTGGAGGGA-3'
Protein context (NP_542411.2, residues 799-819): GLPGYPGRQG[Pro809Leu]KGSLGFPGFP

ClinVar aggregate classification (germline): Uncertain significance. Review status: criteria provided, multiple submitters, no conflicts (2 of 4 stars). 2 submissions from 2 submitters: Uncertain significance (2). Last evaluated 2024-04-25.

Allele frequency attached by ClinVar (database versions not stated): gnomAD 0.00001; gnomAD exomes 0.00001; TOPMed 0.00002; ESP Exome Variant Server 0.00012.
gnomAD v4.1: 12 of 1,612,496 alleles (0.00074%); highest among the groups gnomAD compares: African/African-American, 0.0013%; no homozygotes.

Submissions (2):

Labcorp Genetics (formerly Invitae), Labcorp
Classification: Uncertain significance. Last evaluated: 2024-04-25. Review status: criteria provided, single submitter. Criteria: Invitae Variant Classification Sherloc (09022015). Collection method: clinical testing. Allele origin: germline.
Comment: This sequence change replaces proline, which is neutral and non-polar, with leucine, which is neutral and non-polar, at codon 809 of the COL11A2 protein (p.Pro809Leu). This variant is not present in population databases (gnomAD no frequency). This variant has not been reported in the literature in individuals affected with COL11A2-related conditions. ClinVar contains an entry for this variant (Variation ID: 2197241). Advanced modeling of protein sequence and biophysical properties (such as structural, functional, and spatial information, amino acid conservation, physicochemical variation, residue mobility, and thermodynamic stability) performed at Invitae indicates that this missense variant is not expected to disrupt COL11A2 protein function with a negative predictive value of 95%. In summary, the available evidence is currently insufficient to determine the role of this variant in disease. Therefore, it has been classified as a Variant of Uncertain Significance.

GeneDx
Classification: Uncertain significance. Last evaluated: 2023-04-04. Review status: criteria provided, single submitter. Criteria: GeneDx Variant Classification Process June 2021. Collection method: clinical testing. Allele origin: germline. Affected: yes.
Comment: Has not been previously published as pathogenic or benign to our knowledge; Not observed at significant frequency in large population cohorts (gnomAD); In silico analysis supports that this missense variant has a deleterious effect on protein structure/function